The following is an entry in ClinVar:

ClinVar aggregate classification (germline): Uncertain significance (1 of 4 stars; one submission).

gnomAD v4.1: 1 of 1,614,136 alleles (0.000062%); highest among the groups gnomAD compares: Admixed American, 0.0017%; no homozygotes.

Submission:

Labcorp Genetics (formerly Invitae), Labcorp
Classification: Uncertain significance. Last evaluated: 2025-06-12. Review status: criteria provided, single submitter. Criteria: Invitae Variant Classification Sherloc (09022015). Collection method: clinical testing. Allele origin: germline.
Comment: This sequence change replaces arginine, which is basic and polar, with glycine, which is neutral and non-polar, at codon 161 of the C3 protein (p.Arg161Gly). This variant is not present in population databases (gnomAD no frequency). This variant has not been reported in the literature in individuals affected with C3-related conditions. ClinVar contains an entry for this variant (Variation ID: 1967718). Invitae Evidence Modeling of protein sequence and biophysical properties (such as structural, functional, and spatial information, amino acid conservation, physicochemical variation, residue mobility, and thermodynamic stability) indicates that this missense variant is not expected to disrupt C3 protein function with a negative predictive value of 80%. In summary, the available evidence is currently insufficient to determine the role of this variant in disease. Therefore, it has been classified as a Variant of Uncertain Significance.

NM_000064.4(C3):c.481C>G (p.Arg161Gly)

Gene: C3 (complement C3; minus strand). Cytogenetic location: 19p13.3.
Variant type: single nucleotide variant.
Coding change: c.481C>G on transcript NM_000064.4 (MANE Select); coding-DNA position 481, C replaced by G.
Protein change: p.Arg161Gly; replaces arginine 161 with glycine.
Molecular consequence: missense variant.
Genome position (GRCh38, 1-based): chr19:6,718,117, G>C on the plus strand (C>G on the coding strand, the complement: C3 is on the minus strand). VCF-style: chr19-6718117-G-C. GRCh37 (hg19) VCF-style: chr19-6718128-G-C.
Other names: short protein forms R161G.
Identifiers: ClinVar variation 1967718 (VCV001967718.5), dbSNP rs776423109, ClinGen allele CA403644910.